The following is an entry in ClinVar:

ClinVar aggregate classification (germline): Uncertain significance (1 of 4 stars; one submission).

Submission:

Labcorp Genetics (formerly Invitae), Labcorp
Classification: Uncertain significance. Last evaluated: 2022-07-21. Review status: criteria provided, single submitter. Criteria: Invitae Variant Classification Sherloc (09022015). Collection method: clinical testing. Allele origin: germline.
Comment: Algorithms developed to predict the effect of missense changes on protein structure and function are either unavailable or do not agree on the potential impact of this missense change (SIFT: "Deleterious"; PolyPhen-2: "Possibly Damaging"; Align-GVGD: "Class C0"). This sequence change replaces leucine, which is neutral and non-polar, with phenylalanine, which is neutral and non-polar, at codon 106 of the ANKRD26 protein (p.Leu106Phe). This variant is not present in population databases (gnomAD no frequency). This variant has not been reported in the literature in individuals affected with ANKRD26-related conditions. In summary, the available evidence is currently insufficient to determine the role of this variant in disease. Therefore, it has been classified as a Variant of Uncertain Significance.

NM_014915.3(ANKRD26):c.316C>T (p.Leu106Phe)

Gene: ANKRD26 (ankyrin repeat domain 26; minus strand). Cytogenetic location: 10p12.1.
Variant type: single nucleotide variant.
Coding change: c.316C>T on transcript NM_014915.3 (MANE Select); coding-DNA position 316, C replaced by T.
Protein change: p.Leu106Phe; replaces leucine 106 with phenylalanine.
Molecular consequence: missense variant.
Genome position (GRCh38, 1-based): chr10:27,093,726, G>A on the plus strand (C>T on the coding strand, the complement: ANKRD26 is on the minus strand). VCF-style: chr10-27093726-G-A. GRCh37 (hg19) VCF-style: chr10-27382655-G-A.
Other names: c.316C>T, p.Leu106Phe (NM_001256053.2); short protein forms L106F.
Identifiers: ClinVar variation 1721701 (VCV001721701.5), dbSNP rs1460543308, ClinGen allele CA376368525.